The following is an entry in ClinVar:

ClinVar aggregate classification (germline): Uncertain significance (1 of 4 stars; one submission).

Conditions:
Neuroblastoma, susceptibility to, 3. Also called: ALK-Related Neuroblastic Tumor Susceptibility. Identifiers: Orphanet 635, MedGen C2751681, MONDO:0013083, OMIM 613014.

Submission:

Labcorp Genetics (formerly Invitae), Labcorp
Classification: Uncertain significance for Neuroblastoma, susceptibility to, 3. Last evaluated: 2022-09-14. Review status: criteria provided, single submitter. Criteria: Invitae Variant Classification Sherloc (09022015). Collection method: clinical testing. Allele origin: germline.
Comment: This sequence change replaces asparagine, which is neutral and polar, with isoleucine, which is neutral and non-polar, at codon 873 of the ALK protein (p.Asn873Ile). This variant is not present in population databases (gnomAD no frequency). This variant has not been reported in the literature in individuals affected with ALK-related conditions. Algorithms developed to predict the effect of missense changes on protein structure and function output the following: SIFT: "Deleterious"; PolyPhen-2: "Benign"; Align-GVGD: "Class C15". The isoleucine amino acid residue is found in multiple mammalian species, which suggests that this missense change does not adversely affect protein function. In summary, the available evidence is currently insufficient to determine the role of this variant in disease. Therefore, it has been classified as a Variant of Uncertain Significance.

NM_004304.5(ALK):c.2618A>T (p.Asn873Ile)

Gene: ALK (ALK receptor tyrosine kinase; minus strand). Cytogenetic location: 2p23.2.
Variant type: single nucleotide variant.
Coding change: c.2618A>T on transcript NM_004304.5 (MANE Select); coding-DNA position 2618, A replaced by T.
Protein change: p.Asn873Ile; replaces asparagine 873 with isoleucine.
Molecular consequence: missense variant.
Genome position (GRCh38, 1-based): chr2:29,232,318, T>A on the plus strand (A>T on the coding strand, the complement: ALK is on the minus strand). VCF-style: chr2-29232318-T-A. GRCh37 (hg19) VCF-style: chr2-29455184-T-A.
Other names: short protein forms N873I.
Identifiers: ClinVar variation 1719398 (VCV001719398.5), dbSNP rs2465986112, ClinGen allele CA346471533.